The following is an entry in ClinVar:

ClinVar aggregate classification (germline): Uncertain significance (1 of 4 stars; one submission).

Allele frequency attached by ClinVar (database versions not stated): gnomAD exomes 0.00001.

Submission:

Labcorp Genetics (formerly Invitae), Labcorp
Classification: Uncertain significance. Last evaluated: 2023-11-24. Review status: criteria provided, single submitter. Criteria: Invitae Variant Classification Sherloc (09022015). Collection method: clinical testing. Allele origin: germline.
Comment: This sequence change replaces proline, which is neutral and non-polar, with leucine, which is neutral and non-polar, at codon 1827 of the KMT2E protein (p.Pro1827Leu). This variant is present in population databases (no rsID available, gnomAD 0.002%). This variant has not been reported in the literature in individuals affected with KMT2E-related conditions. An algorithm developed to predict the effect of missense changes on protein structure and function (PolyPhen-2) suggests that this variant is likely to be disruptive. In summary, the available evidence is currently insufficient to determine the role of this variant in disease. Therefore, it has been classified as a Variant of Uncertain Significance.

NM_182931.3(KMT2E):c.5480C>T (p.Pro1827Leu)

Gene: KMT2E (lysine methyltransferase 2E (inactive); plus strand). Cytogenetic location: 7q22.3.
Variant type: single nucleotide variant.
Coding change: c.5480C>T on transcript NM_182931.3 (MANE Select); coding-DNA position 5480, C replaced by T.
Protein change: p.Pro1827Leu; replaces proline 1827 with leucine.
Molecular consequence: missense variant.
Genome position (GRCh38, 1-based): chr7:105,113,236, C>T. VCF-style: chr7-105113236-C-T. GRCh37 (hg19) VCF-style: chr7-104753683-C-T.
Other names: c.5354C>T, p.Pro1785Leu (NM_001410908.1); c.5480C>T, p.Pro1827Leu (NM_018682.4); short protein forms P1827L, P1785L.
Identifiers: ClinVar variation 2792624 (VCV002792624.3), dbSNP rs1333012653, ClinGen allele CA368795275.